The following is an entry in ClinVar:

NM_181882.3(PRX):c.2044G>A (p.Glu682Lys)

Gene: PRX (periaxin; minus strand). Cytogenetic location: 19q13.2.
Variant type: single nucleotide variant.
Coding change: c.2044G>A on transcript NM_181882.3 (MANE Select); coding-DNA position 2044, G replaced by A.
Protein change: p.Glu682Lys; replaces glutamic acid 682 with lysine.
Molecular consequence: missense variant. On other transcripts: 3 prime UTR variant (1).
Genome position (GRCh38, 1-based): chr19:40,396,308, C>T on the plus strand (G>A on the coding strand, the complement: PRX is on the minus strand). VCF-style: chr19-40396308-C-T. GRCh37 (hg19) VCF-style: chr19-40902215-C-T.
Other names: c.*2249G>A (NM_020956.2); short protein forms E682K.
Identifiers: ClinVar variation 698396 (VCV000698396.14), dbSNP rs761277865, ClinGen allele CA9444131.

ClinVar aggregate classification (germline): Conflicting classifications of pathogenicity. Review status: criteria provided, conflicting classifications (1 of 4 stars). 4 submissions from 4 submitters: Uncertain significance (2); Likely benign (2). Last evaluated 2025-09-09.

Conditions:
PRX-related disorder. Also called: PRX-related condition; PRX-Related Disorders.
Inborn genetic diseases. Identifiers: MedGen C0950123, MeSH D030342.
Charcot-Marie-Tooth disease type 4. Also called: Charcot-Marie-Tooth disease, type IV; Charcot-Marie-Tooth, Type 4. Identifiers: Orphanet 64749, MedGen C4082197, MONDO:0018995.
Dejerine-Sottas disease. Also called: HMSN Type III; Charcot-Marie-Tooth disease type 3; DEJERINE-SOTTAS NEUROPATHY; HEREDITARY MOTOR AND SENSORY NEUROPATHY TYPE III; Hereditary motor and sensory neuropathy 3. Identifiers: Orphanet 64748, MedGen C0011195, MONDO:0007790, OMIM 145900.
Charcot-Marie-Tooth disease type 4F. Also called: Charcot-Marie-Tooth disease, demyelinating, type 4F. Identifiers: Orphanet 99952, MedGen C3540453, MONDO:0013959, OMIM 614895.

Allele frequency attached by ClinVar (database versions not stated): gnomAD exomes 0.00007 and 0.00013; TOPMed 0.00008; ExAC 0.00010; gnomAD 0.00010.
gnomAD v4.1: 127 of 1,610,102 alleles (0.0079%); highest among the groups gnomAD compares: Non-Finnish European, 0.0031%; no homozygotes.

Submissions (4):

PreventionGenetics, part of Exact Sciences
Classification: Likely benign for PRX-related condition. Last evaluated: 2025-09-09. Review status: criteria provided, single submitter. Criteria: ACMG Guidelines, 2015. Collection method: clinical testing. Allele origin: germline.
Comment: This variant is classified as likely benign based on ACMG/AMP sequence variant interpretation guidelines (Richards et al. 2015 PMID: 25741868, with internal and published modifications).

Labcorp Genetics (formerly Invitae), Labcorp
Classification: Likely benign for Charcot-Marie-Tooth disease type 4. Last evaluated: 2025-02-26. Review status: criteria provided, single submitter. Criteria: Invitae Variant Classification Sherloc (09022015). Collection method: clinical testing. Allele origin: germline.

Department of Pathology and Laboratory Medicine, Sinai Health System
Classification: Uncertain significance for Dejerine-Sottas disease; Charcot-Marie-Tooth disease type 4F. Last evaluated: 2022-10-29. Review status: criteria provided, single submitter. Criteria: ACMG Guidelines, 2015. Collection method: research. Allele origin: germline.

Ambry Genetics
Classification: Uncertain significance for Inborn genetic diseases. Last evaluated: 2020-03-24. Review status: criteria provided, single submitter. Criteria: Ambry Variant Classification Scheme 2023. Collection method: clinical testing. Allele origin: germline.
Comment: The p.E682K variant (also known as c.2044G>A), located in coding exon 4 of the PRX gene, results from a G to A substitution at nucleotide position 2044. The glutamic acid at codon 682 is replaced by lysine, an amino acid with similar properties. This amino acid position is not well conserved in available vertebrate species, and lysine is the reference amino acid in other vertebrate species. In addition, this alteration is predicted to be tolerated by in silico analysis. Since supporting evidence is limited at this time, the clinical significance of this alteration remains unclear.